The following is an entry in ClinVar:

ClinVar aggregate classification (germline): Uncertain significance. Review status: criteria provided, multiple submitters, no conflicts (2 of 4 stars). 2 submissions from 2 submitters: Uncertain significance (2). Last evaluated 2024-10-06.

Conditions:
Inborn genetic diseases. Identifiers: MedGen C0950123, MeSH D030342.

Allele frequency attached by ClinVar (database versions not stated): gnomAD 0.00001; TOPMed 0.00002.
gnomAD v4.1: 44 of 1,602,738 alleles (0.0027%); highest among the groups gnomAD compares: Non-Finnish European, 0.0036%; no homozygotes.

Submissions (2):

Ambry Genetics
Classification: Uncertain significance for Inborn genetic diseases. Last evaluated: 2024-10-06. Review status: criteria provided, single submitter. Criteria: Ambry Variant Classification Scheme 2023. Collection method: clinical testing. Allele origin: germline.

Labcorp Genetics (formerly Invitae), Labcorp
Classification: Uncertain significance. Last evaluated: 2023-02-23. Review status: criteria provided, single submitter. Criteria: Invitae Variant Classification Sherloc (09022015). Collection method: clinical testing. Allele origin: germline.
Comment: In summary, the available evidence is currently insufficient to determine the role of this variant in disease. Therefore, it has been classified as a Variant of Uncertain Significance. An algorithm developed to predict the effect of missense changes on protein structure and function (PolyPhen-2) suggests that this variant is likely to be disruptive. This variant has not been reported in the literature in individuals affected with LAMA1-related conditions. This variant is present in population databases (no rsID available, gnomAD 0.002%). This sequence change replaces proline, which is neutral and non-polar, with alanine, which is neutral and non-polar, at codon 388 of the LAMA1 protein (p.Pro388Ala).

NM_005559.4(LAMA1):c.1162C>G (p.Pro388Ala)

Gene: LAMA1 (laminin subunit alpha 1; minus strand). Cytogenetic location: 18p11.31.
Variant type: single nucleotide variant.
Coding change: c.1162C>G on transcript NM_005559.4 (MANE Select); coding-DNA position 1162, C replaced by G.
Protein change: p.Pro388Ala; replaces proline 388 with alanine.
Molecular consequence: missense variant.
Genome position (GRCh38, 1-based): chr18:7,042,244, G>C on the plus strand (C>G on the coding strand, the complement: LAMA1 is on the minus strand). VCF-style: chr18-7042244-G-C. GRCh37 (hg19) VCF-style: chr18-7042243-G-C.
Other names: c.1162C>G (NM_005559.3); short protein forms P388A.
Identifiers: ClinVar variation 2989979 (VCV002989979.4), dbSNP rs766401243, ClinGen allele CA401836704.